The following is an entry in ClinVar:

NM_000321.3(RB1):c.1696-16A>T

Gene: RB1 (RB transcriptional corepressor 1; plus strand). Cytogenetic location: 13q14.2.
Variant type: single nucleotide variant.
Coding change: c.1696-16A>T on transcript NM_000321.3 (MANE Select); 16 bases into the intron before coding-DNA position 1696, A replaced by T.
Molecular consequence: intron variant.
Genome position (GRCh38, 1-based): chr13:48,452,977, A>T. VCF-style: chr13-48452977-A-T. GRCh37 (hg19) VCF-style: chr13-49027113-A-T.
Other names: c.1696-16A>T (NM_001407165.1).
Identifiers: ClinVar variation 4875974 (VCV004875974.1).
Genomic context (GRCh38, chr13:48,452,977, plus strand): 5'-AACAATATGATTTTGATATGTACCTGGGAAAATTATGCTTACTAATGTGGTTTTAATTTC[A>T]TCATGTTTCATATAGGATTCACCTTTATTTGATCTTATTAAACAATCAAAGGACCGAGAA-3'

ClinVar aggregate classification (germline): Likely benign (1 of 4 stars; one submission).

Conditions:
Retinoblastoma (RB1). Also called: RETINOBLASTOMA, SOMATIC. Identifiers: Orphanet 790, MedGen C0035335, MeSH D012175, MONDO:0008380, OMIM 180200, HP:0009919. Disease mechanism: loss of function. Inheritance: Both sporadic and heritable forms are tested..

Submission:

Myriad Genetics, Inc.
Classification: Likely benign for Retinoblastoma. Last evaluated: 2026-06-22. Review status: criteria provided, single submitter. Criteria: Myriad Autosomal Dominant, Autosomal Recessive and X-Linked Classification Criteria (2023). Collection method: clinical testing. Allele origin: unknown.
Comment: This variant is considered likely benign. This variant is intronic and is not expected to impact mRNA splicing.